The following is an entry in ClinVar:

ClinVar aggregate classification (germline): Uncertain significance. Review status: criteria provided, multiple submitters, no conflicts (2 of 4 stars). 2 submissions from 2 submitters: Uncertain significance (2). Last evaluated 2025-04-10.

Conditions:
Inborn genetic diseases. Identifiers: MedGen C0950123, MeSH D030342.

gnomAD v4.1: 5 of 1,614,000 alleles (0.00031%); highest among the groups gnomAD compares: Non-Finnish European, 0.00034%; no homozygotes.

Submissions (2):

Ambry Genetics
Classification: Uncertain significance for Inborn genetic diseases. Last evaluated: 2025-04-10. Review status: criteria provided, single submitter. Criteria: Ambry Variant Classification Scheme 2023. Collection method: clinical testing. Allele origin: germline.

Mayo Clinic Laboratories, Mayo Clinic
Classification: Uncertain significance. Last evaluated: 2024-06-14. Review status: criteria provided, single submitter. Criteria: ACMG Guidelines, 2015. Collection method: clinical testing. Allele origin: germline. Observed: 1 variant allele.
Comment: PM2

NM_018122.5(DARS2):c.601C>T (p.Leu201Phe)

Gene: DARS2 (aspartyl-tRNA synthetase 2, mitochondrial; plus strand). Cytogenetic location: 1q25.1.
Variant type: single nucleotide variant.
Coding change: c.601C>T on transcript NM_018122.5 (MANE Select); coding-DNA position 601, C replaced by T.
Protein change: p.Leu201Phe; replaces leucine 201 with phenylalanine.
Molecular consequence: missense variant.
Genome position (GRCh38, 1-based): chr1:173,833,484, C>T. VCF-style: chr1-173833484-C-T. GRCh37 (hg19) VCF-style: chr1-173802622-C-T.
Other names: p.Leu201Phe; c.601C>T, p.Leu201Phe (NM_001365212.1, NM_001365213.2); c.601C>T (NM_018122.4); short protein forms L201F.
Identifiers: ClinVar variation 3380196 (VCV003380196.2).